The following is an entry in ClinVar:

ClinVar aggregate classification (germline): Uncertain significance (1 of 4 stars; one submission).

Allele frequency attached by ClinVar (database versions not stated): TOPMed below 0.00001.

Submission:

Labcorp Genetics (formerly Invitae), Labcorp
Classification: Uncertain significance. Last evaluated: 2023-11-07. Review status: criteria provided, single submitter. Criteria: Invitae Variant Classification Sherloc (09022015). Collection method: clinical testing. Allele origin: germline.
Comment: This sequence change replaces glutamine, which is neutral and polar, with histidine, which is basic and polar, at codon 2499 of the MTOR protein (p.Gln2499His). This variant is not present in population databases (gnomAD no frequency). This variant has not been reported in the literature in individuals affected with MTOR-related conditions. Advanced modeling of protein sequence and biophysical properties (such as structural, functional, and spatial information, amino acid conservation, physicochemical variation, residue mobility, and thermodynamic stability) has been performed at Invitae for this missense variant, however the output from this modeling did not meet the statistical confidence thresholds required to predict the impact of this variant on MTOR protein function. In summary, the available evidence is currently insufficient to determine the role of this variant in disease. Therefore, it has been classified as a Variant of Uncertain Significance.

NM_004958.4(MTOR):c.7497G>C (p.Gln2499His)

Gene: MTOR (mechanistic target of rapamycin kinase; minus strand). Cytogenetic location: 1p36.22.
Variant type: single nucleotide variant.
Coding change: c.7497G>C on transcript NM_004958.4 (MANE Select); coding-DNA position 7497, G replaced by C.
Protein change: p.Gln2499His; replaces glutamine 2499 with histidine.
Molecular consequence: missense variant.
Genome position (GRCh38, 1-based): chr1:11,109,321, C>G on the plus strand (G>C on the coding strand, the complement: MTOR is on the minus strand). VCF-style: chr1-11109321-C-G. GRCh37 (hg19) VCF-style: chr1-11169378-C-G.
Other names: c.7497G>C, p.Gln2499His (NM_001386500.1); c.6249G>C, p.Gln2083His (NM_001386501.1); short protein forms Q2083H, Q2499H.
Identifiers: ClinVar variation 2693951 (VCV002693951.3), dbSNP rs1641738324, ClinGen allele CA338378612.